The following is an entry in ClinVar:

ClinVar aggregate classification (germline): Uncertain significance (1 of 4 stars; one submission).

gnomAD v4.1: 7 of 1,601,116 alleles (0.00044%); highest among the groups gnomAD compares: Non-Finnish European, 0.0006%; no homozygotes.

Submission:

CeGaT Center for Human Genetics Tuebingen
Classification: Uncertain significance. Last evaluated: 2024-03-01. Review status: criteria provided, single submitter. Criteria: CeGaT Center For Human Genetics Tuebingen Variant Classification Criteria Version 2. Collection method: clinical testing. Allele origin: germline. Affected: yes. Observed: 1 variant allele.
Comment: MED13: PM2, PP3

NM_005121.3(MED13):c.403A>C (p.Asn135His)

Gene: MED13 (mediator complex subunit 13; minus strand). Cytogenetic location: 17q23.2.
Variant type: single nucleotide variant.
Coding change: c.403A>C on transcript NM_005121.3 (MANE Select); coding-DNA position 403, A replaced by C.
Protein change: p.Asn135His; replaces asparagine 135 with histidine.
Molecular consequence: missense variant.
Genome position (GRCh38, 1-based): chr17:62,052,604, T>G on the plus strand (A>C on the coding strand, the complement: MED13 is on the minus strand). VCF-style: chr17-62052604-T-G. GRCh37 (hg19) VCF-style: chr17-60129965-T-G.
Other names: short protein forms N135H.
Identifiers: ClinVar variation 3234601 (VCV003234601.20), dbSNP rs201817037, ClinGen allele CA400786950.